The following is an entry in ClinVar:

NM_000180.4(GUCY2D):c.505_506delinsTT (p.Ala169Leu)

Gene: GUCY2D (guanylate cyclase 2D, retinal; plus strand). Cytogenetic location: 17p13.1.
Variant type: Indel.
Coding change: c.505_506delinsTT on transcript NM_000180.4 (MANE Select); coding-DNA positions 505 to 506, GC replaced by TT.
Protein change: p.Ala169Leu; replaces alanine 169 with leucine.
Molecular consequence: missense variant.
Genome position (GRCh38, 1-based): chr17:8,003,552-8,003,553, GC replaced by TT. VCF-style: chr17-8003552-GC-TT. GRCh37 (hg19) VCF-style: chr17-7906870-GC-TT.
Other names: short protein forms A169L.
Identifiers: ClinVar variation 3750791 (VCV003750791.2).
Genomic context (GRCh38, chr17:8,003,552, plus strand): 5'-CCCTGGGGCTGCCCCTGGACGCAGGCGGAGGGCACCACGGCCCCTGCCGTGACCCCCGCC[GC>TT]GGATGCCCTCTACGCCCTGCTTCGCGCATTCGGCTGGGCGCGCGTGGCCCTGGTCACCGC-3'
Protein context (NP_000171.1, residues 159-179): GTTAPAVTPA[Ala169Leu]DALYALLRAF

ClinVar aggregate classification (germline): Uncertain significance (1 of 4 stars; one submission).

Conditions:
Leber congenital amaurosis 1 (LCA1). Also called: RETINAL BLINDNESS, CONGENITAL; AMAUROSIS CONGENITA OF LEBER I; Congenital absence of the rods and cones; Leber's congenital tapetoretinal degeneration; Leber's congenital tapetoretinal dysplasia. Identifiers: Orphanet 65, MedGen C2931258, MONDO:0008764, OMIM 204000.
Cone-rod dystrophy 6 (CORD6). Also called: RETINAL CONE DYSTROPHY 2; Cone dystrophy progressive. Identifiers: Orphanet 1872, MedGen C1866293, MONDO:0011143, OMIM 601777.

Submission:

Labcorp Genetics (formerly Invitae), Labcorp
Classification: Uncertain significance for Leber congenital amaurosis 1; Cone-rod dystrophy 6. Last evaluated: 2025-01-18. Review status: criteria provided, single submitter. Criteria: Invitae Variant Classification Sherloc (09022015). Collection method: clinical testing. Allele origin: germline.
Comment: This sequence change replaces alanine, which is neutral and non-polar, with leucine, which is neutral and non-polar, at codon 169 of the GUCY2D protein (p.Ala169Leu). Information on the frequency of this variant in the gnomAD database is not available, as this variant may be reported differently in the database. This variant has not been reported in the literature in individuals affected with GUCY2D-related conditions. An algorithm developed to predict the effect of missense changes on protein structure and function (PolyPhen-2) suggests that this variant is likely to be tolerated. In summary, the available evidence is currently insufficient to determine the role of this variant in disease. Therefore, it has been classified as a Variant of Uncertain Significance.